The following is an entry in ClinVar:

NM_007078.3(LDB3):c.1232-19T>G

Gene: LDB3 (LIM domain binding 3; plus strand). Cytogenetic location: 10q23.2.
Variant type: single nucleotide variant.
Coding change: c.1232-19T>G on transcript NM_007078.3 (MANE Select); 19 bases into the intron before coding-DNA position 1232, T replaced by G.
Molecular consequence: intron variant.
Genome position (GRCh38, 1-based): chr10:86,716,308, T>G. VCF-style: chr10-86716308-T-G. GRCh37 (hg19) VCF-style: chr10-88476065-T-G.
Other names: c.1043-19T>G (NM_001368064.1, NM_001368065.1); c.1247-19T>G (NM_001171610.2); c.1091-19T>G (NM_001368066.1); c.902-19T>G (NM_001080114.2).
Identifiers: ClinVar variation 3018352 (VCV003018352.3), dbSNP rs775005024, ClinGen allele CA5585101.

ClinVar aggregate classification (germline): Uncertain significance (1 of 4 stars; one submission).

Conditions:
Myofibrillar myopathy 4. Also called: Zaspopathy (type). Identifiers: Orphanet 98912, MedGen C4721886, MONDO:0012277, OMIM 609452.

Allele frequency attached by ClinVar (database versions not stated): gnomAD 0.00002.
gnomAD v4.1: 13 of 1,606,708 alleles (0.00081%); highest among the groups gnomAD compares: South Asian, 0.0088%; no homozygotes.

Submission:

Labcorp Genetics (formerly Invitae), Labcorp
Classification: Uncertain significance for Myofibrillar myopathy 4. Last evaluated: 2025-07-14. Review status: criteria provided, single submitter. Criteria: Invitae Variant Classification Sherloc (09022015). Collection method: clinical testing. Allele origin: germline.
Comment: The LDB3 gene has multiple clinically relevant transcripts. This variant occurs in alternate transcript NM_007078.3, and corresponds to NM_001080116.1:c.*16934T>G in the primary transcript. This sequence change falls in intron 9 of the LDB3 gene. It does not directly change the encoded amino acid sequence of the LDB3 protein. This variant is present in population databases (rs775005024, gnomAD 0.01%). This variant has not been reported in the literature in individuals affected with LDB3-related conditions. Experimental studies and prediction algorithms are not available or were not evaluated, and the effect of this variant on mRNA splicing is currently unknown. In summary, the available evidence is currently insufficient to determine the role of this variant in disease. Therefore, it has been classified as a Variant of Uncertain Significance.